The following is an entry in ClinVar:

NM_001079802.2(FKTN):c.530A>T (p.His177Leu)

Gene: FKTN (fukutin; plus strand). Cytogenetic location: 9q31.2.
Variant type: single nucleotide variant.
Coding change: c.530A>T on transcript NM_001079802.2 (MANE Select); coding-DNA position 530, A replaced by T.
Protein change: p.His177Leu; replaces histidine 177 with leucine.
Molecular consequence: missense variant. On other transcripts: non-coding transcript variant (2).
Genome position (GRCh38, 1-based): chr9:105,604,375, A>T. VCF-style: chr9-105604375-A-T. GRCh37 (hg19) VCF-style: chr9-108366656-A-T.
Other names: c.530A>T, p.His177Leu (NM_001198963.2, NM_001351496.2, NM_001351498.2 and 1 more transcripts); c.461A>T, p.His154Leu (NM_001351497.2); c.134A>T, p.His45Leu (NM_001351499.2, NM_001351500.2, NM_001351501.2 and 1 more transcripts); short protein forms H45L, H154L, H177L.
Identifiers: ClinVar variation 2188973 (VCV002188973.1), dbSNP rs773322779, ClinGen allele CA5170431.

ClinVar aggregate classification (germline): Uncertain significance (1 of 4 stars; one submission).

Conditions:
Walker-Warburg congenital muscular dystrophy. Also called: Muscular dystrophy-dystroglycanopathy, type A; Walker-Warburg syndrome. Identifiers: Orphanet 899, MedGen C0265221, MONDO:0000171.

Allele frequency attached by ClinVar (database versions not stated): gnomAD 0.00001; ExAC 0.00002.
gnomAD v4.1: 13 of 1,614,036 alleles (0.00081%); highest among the groups gnomAD compares: South Asian, 0.014%; no homozygotes.

Submission:

Labcorp Genetics (formerly Invitae), Labcorp
Classification: Uncertain significance for Walker-Warburg congenital muscular dystrophy. Last evaluated: 2022-06-27. Review status: criteria provided, single submitter. Criteria: Invitae Variant Classification Sherloc (09022015). Collection method: clinical testing. Allele origin: germline.
Comment: This sequence change replaces histidine, which is basic and polar, with leucine, which is neutral and non-polar, at codon 177 of the FKTN protein (p.His177Leu). This variant is present in population databases (rs773322779, gnomAD 0.02%). This variant has not been reported in the literature in individuals affected with FKTN-related conditions. Algorithms developed to predict the effect of missense changes on protein structure and function (SIFT, PolyPhen-2, Align-GVGD) all suggest that this variant is likely to be tolerated. In summary, the available evidence is currently insufficient to determine the role of this variant in disease. Therefore, it has been classified as a Variant of Uncertain Significance.